The following is an entry in ClinVar:

ClinVar aggregate classification (germline): Uncertain significance. Review status: criteria provided, multiple submitters, no conflicts (2 of 4 stars). 2 submissions from 2 submitters: Uncertain significance (2). Last evaluated 2022-07-07.

Conditions:
Inborn genetic diseases. Identifiers: MedGen C0950123, MeSH D030342.

Allele frequency attached by ClinVar (database versions not stated): gnomAD exomes 0.00002.
gnomAD v4.1: 23 of 1,565,400 alleles (0.0015%); highest among the groups gnomAD compares: Non-Finnish European, 0.002%; no homozygotes.

Submissions (2):

Labcorp Genetics (formerly Invitae), Labcorp
Classification: Uncertain significance. Last evaluated: 2022-07-07. Review status: criteria provided, single submitter. Criteria: Invitae Variant Classification Sherloc (09022015). Collection method: clinical testing. Allele origin: germline.
Comment: This sequence change replaces methionine, which is neutral and non-polar, with threonine, which is neutral and polar, at codon 611 of the P3H2 protein (p.Met611Thr). This variant is present in population databases (no rsID available, gnomAD 0.0009%). This variant has not been reported in the literature in individuals affected with P3H2-related conditions. Algorithms developed to predict the effect of missense changes on protein structure and function are either unavailable or do not agree on the potential impact of this missense change (SIFT: "Deleterious"; PolyPhen-2: "Benign"; Align-GVGD: "Class C45"). In summary, the available evidence is currently insufficient to determine the role of this variant in disease. Therefore, it has been classified as a Variant of Uncertain Significance.

Ambry Genetics
Classification: Uncertain significance for Inborn genetic diseases. Last evaluated: 2021-10-06. Review status: criteria provided, single submitter. Criteria: Ambry Variant Classification Scheme 2023. Collection method: clinical testing. Allele origin: germline.

NM_018192.4(P3H2):c.1832T>C (p.Met611Thr)

Gene: P3H2 (prolyl 3-hydroxylase 2; minus strand). Cytogenetic location: 3q28.
Variant type: single nucleotide variant.
Coding change: c.1832T>C on transcript NM_018192.4 (MANE Select); coding-DNA position 1832, T replaced by C.
Protein change: p.Met611Thr; replaces methionine 611 with threonine.
Molecular consequence: missense variant.
Genome position (GRCh38, 1-based): chr3:189,970,877, A>G on the plus strand (T>C on the coding strand, the complement: P3H2 is on the minus strand). VCF-style: chr3-189970877-A-G. GRCh37 (hg19) VCF-style: chr3-189688666-A-G.
Other names: c.1289T>C, p.Met430Thr (NM_001134418.2); short protein forms M611T, M430T.
Identifiers: ClinVar variation 1920682 (VCV001920682.6), dbSNP rs1420800871, ClinGen allele CA355752681.
Genomic context (GRCh38, chr3:189,970,877, plus strand): 5'-GTCACAGTCTTAGCATCCATCTCTGTGAATATGAATTCTCCTCCTTCAAAGTCATCATTC[A>G]TATATAGGAGAGCACTATAAGAATGAAGAGAAAACTATTTGTATTATTATATGCTTATGA-3'
Protein context (NP_060662.2, residues 601-621): TFRDYSALLY[Met611Thr]NDDFEGGEFI